The following is an entry in ClinVar:

NM_001372.4(DNAH9):c.9653T>C (p.Val3218Ala)

Gene: DNAH9 (dynein axonemal heavy chain 9; plus strand). Cytogenetic location: 17p12.
Variant type: single nucleotide variant.
Coding change: c.9653T>C on transcript NM_001372.4 (MANE Select); coding-DNA position 9653, T replaced by C.
Protein change: p.Val3218Ala; replaces valine 3218 with alanine.
Molecular consequence: missense variant.
Genome position (GRCh38, 1-based): chr17:11,854,148, T>C. VCF-style: chr17-11854148-T-C. GRCh37 (hg19) VCF-style: chr17-11757465-T-C.
Other names: short protein forms V3218A.
Identifiers: ClinVar variation 4765464 (VCV004765464.1).

ClinVar aggregate classification (germline): Uncertain significance (1 of 4 stars; one submission).

gnomAD v4.1: 24 of 1,614,122 alleles (0.0015%); highest among the groups gnomAD compares: Non-Finnish European, 0.0019%; no homozygotes.

Submission:

Labcorp Genetics (formerly Invitae), Labcorp
Classification: Uncertain significance. Last evaluated: 2025-02-09. Review status: criteria provided, single submitter. Criteria: Invitae Variant Classification Sherloc (09022015). Collection method: clinical testing. Allele origin: germline.
Comment: This sequence change replaces valine, which is neutral and non-polar, with alanine, which is neutral and non-polar, at codon 3218 of the DNAH9 protein (p.Val3218Ala). This variant is present in population databases (rs769331794, gnomAD 0.0009%). This variant has not been reported in the literature in individuals affected with DNAH9-related conditions. An algorithm developed to predict the effect of missense changes on protein structure and function (PolyPhen-2) suggests that this variant is likely to be disruptive. In summary, the available evidence is currently insufficient to determine the role of this variant in disease. Therefore, it has been classified as a Variant of Uncertain Significance.